The following is an entry in ClinVar:

ClinVar aggregate classification (germline): Uncertain significance (1 of 4 stars; one submission).

Conditions:
Bloom syndrome (BLM). Also called: Bloom-Torre-Machacek syndrome. Identifiers: Orphanet 125, MedGen C0005859, MONDO:0008876, OMIM 210900.

Submission:

Labcorp Genetics (formerly Invitae), Labcorp
Classification: Uncertain significance for Bloom syndrome. Last evaluated: 2025-02-04. Review status: criteria provided, single submitter. Criteria: Invitae Variant Classification Sherloc (09022015). Collection method: clinical testing. Allele origin: germline.
Comment: This sequence change replaces phenylalanine, which is neutral and non-polar, with leucine, which is neutral and non-polar, at codon 619 of the BLM protein (p.Phe619Leu). This variant is not present in population databases (gnomAD no frequency). This variant has not been reported in the literature in individuals affected with BLM-related conditions. An algorithm developed to predict the effect of missense changes on protein structure and function outputs the following: PolyPhen-2: "Benign". The leucine amino acid residue is found in multiple mammalian species, which suggests that this missense change does not adversely affect protein function. In summary, the available evidence is currently insufficient to determine the role of this variant in disease. Therefore, it has been classified as a Variant of Uncertain Significance.

NM_000057.4(BLM):c.1855T>C (p.Phe619Leu)

Gene: BLM (BLM RecQ like helicase; plus strand). Cytogenetic location: 15q26.1.
Variant type: single nucleotide variant.
Coding change: c.1855T>C on transcript NM_000057.4 (MANE Select); coding-DNA position 1855, T replaced by C.
Protein change: p.Phe619Leu; replaces phenylalanine 619 with leucine.
Molecular consequence: missense variant.
Genome position (GRCh38, 1-based): chr15:90,761,228, T>C. VCF-style: chr15-90761228-T-C. GRCh37 (hg19) VCF-style: chr15-91304458-T-C.
Other names: c.1855T>C, p.Phe619Leu (NM_001287246.2, NM_001287247.2); c.730T>C, p.Phe244Leu (NM_001287248.2); short protein forms F244L, F619L.
Identifiers: ClinVar variation 3619317 (VCV003619317.2).